The following is an entry in ClinVar:

NM_016507.4(CDK12):c.3058C>A (p.Leu1020Ile)

Gene: CDK12 (cyclin dependent kinase 12; plus strand). Cytogenetic location: 17q12.
Variant type: single nucleotide variant.
Coding change: c.3058C>A on transcript NM_016507.4 (MANE Select); coding-DNA position 3058, C replaced by A.
Protein change: p.Leu1020Ile; replaces leucine 1020 with isoleucine.
Molecular consequence: missense variant.
Genome position (GRCh38, 1-based): chr17:39,520,050, C>A. VCF-style: chr17-39520050-C-A. GRCh37 (hg19) VCF-style: chr17-37676303-C-A.
Other names: c.3058C>A, p.Leu1020Ile (NM_015083.4); short protein forms L1020I.
Identifiers: ClinVar variation 3999552 (VCV003999552.1).
Genomic context (GRCh38, chr17:39,520,050, plus strand): 5'-ATGCTGACACTAGATCCTAGTAAGCGGTGCACAGCTGAACAGACCCTACAGAGCGACTTC[C>A]TTAAAGATGTCGAACTCAGCAAAATGGCTCCTCCAGAGTAAGTGCTGGTAGCCATGTTGT-3'
Protein context (NP_057591.2, residues 1010-1030): TAEQTLQSDF[Leu1020Ile]KDVELSKMAP

ClinVar aggregate classification (germline): Uncertain significance (1 of 4 stars; one submission).

Submission:

Ambry Genetics
Classification: Uncertain significance. Last evaluated: 2025-06-12. Review status: criteria provided, single submitter. Criteria: Ambry Variant Classification Scheme 2023. Collection method: clinical testing. Allele origin: germline.
Comment: The p.L1020I variant (also known as c.3058C>A), located in coding exon 11 of the CDK12 gene, results from a C to A substitution at nucleotide position 3058. The leucine at codon 1020 is replaced by isoleucine, an amino acid with highly similar properties. This amino acid position is conserved. In addition, this alteration is predicted to be tolerated by in silico analysis. Based on the available evidence, the clinical significance of this variant remains unclear.